The following is an entry in ClinVar:

NM_000065.5(C6):c.420C>A (p.Cys140Ter)

Gene: C6 (complement C6; minus strand). Cytogenetic location: 5p13.1.
Variant type: single nucleotide variant.
Coding change: c.420C>A on transcript NM_000065.5 (MANE Select); coding-DNA position 420, C replaced by A.
Protein change: p.Cys140Ter; replaces cysteine 140 with a stop codon.
Molecular consequence: nonsense.
Genome position (GRCh38, 1-based): chr5:41,199,793, G>T on the plus strand (C>A on the coding strand, the complement: C6 is on the minus strand). VCF-style: chr5-41199793-G-T. GRCh37 (hg19) VCF-style: chr5-41199895-G-T.
Other names: c.420C>A, p.Cys140Ter (NM_001115131.4); short protein forms C140*.
Identifiers: ClinVar variation 2748896 (VCV002748896.3), dbSNP rs2479109570, ClinGen allele CA359604567.

ClinVar aggregate classification (germline): Pathogenic (1 of 4 stars; one submission).

Submission:

Labcorp Genetics (formerly Invitae), Labcorp
Classification: Pathogenic. Last evaluated: 2023-07-31. Review status: criteria provided, single submitter. Criteria: Invitae Variant Classification Sherloc (09022015). Collection method: clinical testing. Allele origin: germline.
Comment: Algorithms developed to predict the effect of sequence changes on RNA splicing suggest that this variant may disrupt the consensus splice site. For these reasons, this variant has been classified as Pathogenic. This variant has not been reported in the literature in individuals affected with C6-related conditions. This variant is not present in population databases (gnomAD no frequency). This sequence change creates a premature translational stop signal (p.Cys140*) in the C6 gene. It is expected to result in an absent or disrupted protein product. Loss-of-function variants in C6 are known to be pathogenic (PMID: 17257682).

Literature cited by the submitters: PubMed 17257682.